The following is an entry in ClinVar:

NM_000548.5(TSC2):c.3938A>C (p.Glu1313Ala)

Gene: TSC2 (TSC complex subunit 2; plus strand). Cytogenetic location: 16p13.3.
Variant type: single nucleotide variant.
Coding change: c.3938A>C on transcript NM_000548.5 (MANE Select); coding-DNA position 3938, A replaced by C.
Protein change: p.Glu1313Ala; replaces glutamic acid 1313 with alanine.
Molecular consequence: missense variant. On other transcripts: non-coding transcript variant (5).
Genome position (GRCh38, 1-based): chr16:2,083,749, A>C. VCF-style: chr16-2083749-A-C. GRCh37 (hg19) VCF-style: chr16-2133750-A-C.
Other names: c.3590A>C, p.Glu1197Ala (NM_001406679.1); c.3338A>C, p.Glu1113Ala (NM_001406680.1); c.3278A>C, p.Glu1093Ala (NM_001406681.1); c.3269A>C, p.Glu1090Ala (NM_001406682.1, NM_001406683.1); c.3266A>C, p.Glu1089Ala (NM_001406684.1); c.3140A>C, p.Glu1047Ala (NM_001406685.1, NM_001406686.1); c.3137A>C, p.Glu1046Ala (NM_001406687.1, NM_001406688.1); c.2135A>C, p.Glu712Ala (NM_001406698.1); and 26 more; short protein forms E1113A, E1240A, E1243A, E1246A, E1269A, E1287A, E822A, E1069A.
Identifiers: ClinVar variation 5031291 (VCV005031291.1).

ClinVar aggregate classification (germline): Uncertain significance (1 of 4 stars; one submission).

Conditions:
Hereditary cancer-predisposing syndrome. Also called: Neoplastic Syndromes, Hereditary; Tumor predisposition; Hereditary neoplastic syndrome; Hereditary Cancer Syndrome. Identifiers: Orphanet 140162, MedGen C0027672, MeSH D009386, MONDO:0015356.

Submission:

Ambry Genetics
Classification: Uncertain significance for Hereditary cancer-predisposing syndrome. Last evaluated: 2026-07-10. Review status: criteria provided, single submitter. Criteria: Ambry Variant Classification Scheme 2023. Collection method: clinical testing. Allele origin: germline.
Comment: The p.E1313A variant (also known as c.3938A>C), located in coding exon 32 of the TSC2 gene, results from an A to C substitution at nucleotide position 3938. The glutamic acid at codon 1313 is replaced by alanine, an amino acid with dissimilar properties. This amino acid position is conserved. In addition, the in silico prediction for this alteration is inconclusive. Based on the available evidence, the clinical significance of this variant remains unclear.